The following is an entry in ClinVar:

NM_152703.5(SAMD9L):c.505G>C (p.Asp169His)

Gene: SAMD9L (sterile alpha motif domain containing 9 like; minus strand). Cytogenetic location: 7q21.2.
Variant type: single nucleotide variant.
Coding change: c.505G>C on transcript NM_152703.5 (MANE Select); coding-DNA position 505, G replaced by C.
Protein change: p.Asp169His; replaces aspartic acid 169 with histidine.
Molecular consequence: missense variant.
Genome position (GRCh38, 1-based): chr7:93,135,467, C>G on the plus strand (G>C on the coding strand, the complement: SAMD9L is on the minus strand). VCF-style: chr7-93135467-C-G. GRCh37 (hg19) VCF-style: chr7-92764780-C-G.
Other names: p.Asp169His; c.505G>C (NM_152703.3); c.505G>C, p.Asp169His (NM_001303496.3, NM_001303497.3, NM_001303498.3 and 5 more transcripts); short protein forms D169H.
Identifiers: ClinVar variation 1429422 (VCV001429422.11), dbSNP rs144605831, ClinGen allele CA4343862.
Genomic context (GRCh38, chr7:93,135,467, plus strand): 5'-CTCCTGTTTCAGGTTGTAGAGTATAATGTTCTATGTAGCGATGGCTGTCATGGAACTGAT[C>G]AAAAGGATATGGCATACAAGTCAATTGTTCAGGTTTTAGCTTACCCTTTTTCTTGTGTTT-3'
Protein context (NP_689916.2, residues 159-179): EQLTCMPYPF[Asp169His]QFHDSHRYIE

ClinVar aggregate classification (germline): Conflicting classifications of pathogenicity. Review status: criteria provided, conflicting classifications (1 of 4 stars). 5 submissions from 5 submitters: Uncertain significance (3); Likely benign (1). 1 of the submissions does not count toward it. Last evaluated 2026-02-03.

Conditions:
SAMD9L-related disorder. Also called: SAMD9L-related condition; SAMD9L-related disorders.

Allele frequency attached by ClinVar (database versions not stated): gnomAD exomes 0.00010 and 0.00012; ExAC 0.00011; gnomAD 0.00011; TOPMed 0.00011; ESP Exome Variant Server 0.00031.

Submissions (5):

Labcorp Genetics (formerly Invitae), Labcorp
Classification: Uncertain significance. Last evaluated: 2026-02-03. Review status: criteria provided, single submitter. Criteria: Invitae Variant Classification Sherloc (09022015). Collection method: clinical testing. Allele origin: germline.
Comment: This sequence change replaces aspartic acid, which is acidic and polar, with histidine, which is basic and polar, at codon 169 of the SAMD9L protein (p.Asp169His). The frequency data for this variant in the population databases is considered unreliable, as metrics indicate poor data quality at this position in the gnomAD database. This missense change has been observed in individual(s) with myelodysplastic syndrome or cytopenia (PMID: 34621053, 35295078, 38282561). ClinVar contains an entry for this variant (Variation ID: 1429422). An algorithm developed to predict the effect of missense changes on protein structure and function (PolyPhen-2) suggests that this variant is likely to be disruptive. In summary, the available evidence is currently insufficient to determine the role of this variant in disease. Therefore, it has been classified as a Variant of Uncertain Significance.

GeneDx
Classification: Uncertain significance. Last evaluated: 2025-05-28. Review status: criteria provided, single submitter. Criteria: GeneDx Variant Classification Process June 2021. Collection method: clinical testing. Allele origin: germline.
Comment: Reported as a germline variant in at least one individual with myelodysplastic syndrome (MDS) who also carried a SAMD9 variant and in individuals with severe aplastic anemia or neutropenia (PMID: 34621053, 35295078, 36005558, 38282561); In silico analysis suggests that this missense variant does not alter protein structure/function; This variant is associated with the following publications: (PMID: 36005558, 35295078, 34621053, 38282561)

Laboratory of Genetics, Children's Clinical University Hospital Latvia
Classification: Likely benign. Last evaluated: 2025-02-16. Review status: criteria provided, single submitter. Criteria: ACMG Guidelines, 2015. Collection method: clinical testing. Allele origin: germline. Affected: yes.

Mayo Clinic Laboratories, Mayo Clinic
Classification: Uncertain significance. Last evaluated: 2024-06-03. Review status: criteria provided, single submitter. Criteria: ACMG Guidelines, 2015. Collection method: clinical testing. Allele origin: germline. Observed: 1 variant allele.
Comment: BP4

PreventionGenetics, part of Exact Sciences
Classification: Uncertain significance for SAMD9L-related condition. Last evaluated: 2024-02-16. Review status: no assertion criteria provided. Collection method: clinical testing. Allele origin: germline. Not counted in ClinVar's aggregate classification.
Comment: The SAMD9L c.505G>C variant is predicted to result in the amino acid substitution p.Asp169His. This variant has been reported in a large cohort study of individuals with myelodysplastic syndrome (Table S6, Sahoo et al. 2021. PubMed ID: 34621053) and in a large cohort study of individuals with aplastic anemia (Table S4, Gilad et al. 2022. PubMed ID: 35295078). This variant is reported in 0.016% of alleles in individuals of South Asian descent in gnomAD and has classifications of uncertain in ClinVar. At this time, the clinical significance of this variant is uncertain due to the absence of conclusive functional and genetic evidence.

Literature cited by the submitters: PubMed 34621053 (cited by Labcorp Genetics (formerly Invitae), Labcorp and Mayo Clinic Laboratories, Mayo Clinic); PubMed 35295078 (cited by Labcorp Genetics (formerly Invitae), Labcorp and Mayo Clinic Laboratories, Mayo Clinic); PubMed 38282561 (cited by Labcorp Genetics (formerly Invitae), Labcorp).